The following is an entry in ClinVar:

NM_005633.4(SOS1):c.496A>T (p.Met166Leu)

Gene: SOS1 (SOS Ras/Rac guanine nucleotide exchange factor 1; minus strand). Cytogenetic location: 2p22.1.
Variant type: single nucleotide variant.
Coding change: c.496A>T on transcript NM_005633.4 (MANE Select); coding-DNA position 496, A replaced by T.
Protein change: p.Met166Leu; replaces methionine 166 with leucine.
Molecular consequence: missense variant.
Genome position (GRCh38, 1-based): chr2:39,056,716, T>A on the plus strand (A>T on the coding strand, the complement: SOS1 is on the minus strand). VCF-style: chr2-39056716-T-A. GRCh37 (hg19) VCF-style: chr2-39283857-T-A.
Other names: c.475A>T, p.Met159Leu (NM_001382394.1); c.496A>T, p.Met166Leu (NM_001382395.1); short protein forms M159L, M166L.
Identifiers: ClinVar variation 4738943 (VCV004738943.1).

ClinVar aggregate classification (germline): Uncertain significance (1 of 4 stars; one submission).

Conditions:
RASopathy. Also called: rasopathies; Noonan spectrum disorder. Identifiers: Orphanet 536391, MedGen C5555857, MONDO:0021060.

Submission:

Labcorp Genetics (formerly Invitae), Labcorp
Classification: Uncertain significance for RASopathy. Last evaluated: 2025-06-22. Review status: criteria provided, single submitter. Criteria: Invitae Variant Classification Sherloc (09022015). Collection method: clinical testing. Allele origin: germline.
Comment: This sequence change replaces methionine, which is neutral and non-polar, with leucine, which is neutral and non-polar, at codon 166 of the SOS1 protein (p.Met166Leu). This variant is not present in population databases (gnomAD no frequency). This variant has not been reported in the literature in individuals affected with SOS1-related conditions. Invitae Evidence Modeling of protein sequence and biophysical properties (such as structural, functional, and spatial information, amino acid conservation, physicochemical variation, residue mobility, and thermodynamic stability) has been performed for this missense variant. However, the output from this modeling did not meet the statistical confidence thresholds required to predict the impact of this variant on SOS1 protein function. In summary, the available evidence is currently insufficient to determine the role of this variant in disease. Therefore, it has been classified as a Variant of Uncertain Significance.